The following is an entry in ClinVar:

ClinVar aggregate classification (germline): Uncertain significance (1 of 4 stars; one submission).

Conditions:
Distal hereditary motor neuropathy type 2. Identifiers: Orphanet 139525, MedGen C3711384, MeSH C580044, MONDO:0015352.

gnomAD v4.1: 10 of 1,614,090 alleles (0.00062%); highest among the groups gnomAD compares: Non-Finnish European, 0.00076%; no homozygotes.

Submission:

Labcorp Genetics (formerly Invitae), Labcorp
Classification: Uncertain significance for Distal hereditary motor neuropathy type 2. Last evaluated: 2024-03-13. Review status: criteria provided, single submitter. Criteria: Invitae Variant Classification Sherloc (09022015). Collection method: clinical testing. Allele origin: germline.
Comment: This sequence change replaces cysteine, which is neutral and slightly polar, with arginine, which is basic and polar, at codon 778 of the FBXO38 protein (p.Cys778Arg). This variant is present in population databases (rs770230868, gnomAD 0.002%). This variant has not been reported in the literature in individuals affected with FBXO38-related conditions. Advanced modeling of protein sequence and biophysical properties (such as structural, functional, and spatial information, amino acid conservation, physicochemical variation, residue mobility, and thermodynamic stability) performed at Invitae indicates that this missense variant is not expected to disrupt FBXO38 protein function with a negative predictive value of 80%. In summary, the available evidence is currently insufficient to determine the role of this variant in disease. Therefore, it has been classified as a Variant of Uncertain Significance.

NM_205836.3(FBXO38):c.2332T>C (p.Cys778Arg)

Gene: FBXO38 (F-box protein 38; plus strand). Cytogenetic location: 5q32.
Variant type: single nucleotide variant.
Coding change: c.2332T>C on transcript NM_205836.3 (MANE Select); coding-DNA position 2332, T replaced by C.
Protein change: p.Cys778Arg; replaces cysteine 778 with arginine.
Molecular consequence: missense variant. On other transcripts: intron variant (1).
Genome position (GRCh38, 1-based): chr5:148,427,626, T>C. VCF-style: chr5-148427626-T-C. GRCh37 (hg19) VCF-style: chr5-147807189-T-C.
Other names: c.2332T>C, p.Cys778Arg (NM_030793.5); c.1918+1925T>C (NM_001271723.2); short protein forms C778R.
Identifiers: ClinVar variation 3689338 (VCV003689338.2).